The following is an entry in ClinVar:

NM_020822.3(KCNT1):c.150C>A (p.Ala50=)

Gene: KCNT1 (potassium sodium-activated channel subfamily T member 1; plus strand). Cytogenetic location: 9q34.3.
Variant type: single nucleotide variant.
Coding change: c.150C>A on transcript NM_020822.3 (MANE Select); coding-DNA position 150, C replaced by A.
Protein change: p.Ala50=; no amino-acid change (alanine 50 retained).
Molecular consequence: synonymous variant. On other transcripts: intron variant (1).
Genome position (GRCh38, 1-based): chr9:135,714,616, C>A. VCF-style: chr9-135714616-C-A. GRCh37 (hg19) VCF-style: chr9-138606462-C-A.
Other names: c.110+12248C>A (NM_001272003.2).
Identifiers: ClinVar variation 384648 (VCV000384648.6), dbSNP rs761304952, ClinGen allele CA16606373.

ClinVar aggregate classification (germline): Likely benign. Review status: criteria provided, multiple submitters, no conflicts (2 of 4 stars). 2 submissions from 2 submitters: Likely benign (2). Last evaluated 2026-01-28.

Conditions:
Developmental and epileptic encephalopathy, 14 (DEE14). Also called: Early infantile epileptic encephalopathy 14. Identifiers: Orphanet 293181, MedGen C3554195, MONDO:0013989, OMIM 614959.
Autosomal dominant nocturnal frontal lobe epilepsy 5. Also called: KCNT1-Related Epilepsy; CILIARY DYSKINESIA, PRIMARY, 28, WITHOUT SITUS INVERSUS; CILIARY DYSKINESIA, PRIMARY, 28, WITH SITUS INVERSUS; Epilepsy, nocturnal frontal lobe, 5. Identifiers: Orphanet 98784, MedGen C3554306, MONDO:0014002, OMIM 615005.

gnomAD v4.1: 2 of 1,451,442 alleles (0.00014%); highest among the groups gnomAD compares: Admixed American, 0.0041%; no homozygotes.

Submissions (2):

Labcorp Genetics (formerly Invitae), Labcorp
Classification: Likely benign for Autosomal dominant nocturnal frontal lobe epilepsy 5; Developmental and epileptic encephalopathy, 14. Last evaluated: 2026-01-28. Review status: criteria provided, single submitter. Criteria: Invitae Variant Classification Sherloc (09022015). Collection method: clinical testing. Allele origin: germline.

GeneDx
Classification: Likely benign. Last evaluated: 2017-01-23. Review status: criteria provided, single submitter. Criteria: GeneDx Variant Classification (06012015). Collection method: clinical testing. Allele origin: germline. Affected: yes.
Comment: This variant is considered likely benign or benign based on one or more of the following criteria: it is a conservative change, it occurs at a poorly conserved position in the protein, it is predicted to be benign by multiple in silico algorithms, and/or has population frequency not consistent with disease.